The following is an entry in ClinVar:

ClinVar aggregate classification (germline): Conflicting classifications of pathogenicity. Review status: criteria provided, conflicting classifications (1 of 4 stars). 15 submissions from 15 submitters: Pathogenic (10); Uncertain significance (1). 4 of the submissions do not count toward it. Last evaluated 2026-07-01.

Conditions:
CCDC39-related disorder. Also called: CCDC39-related condition.
Primary ciliary dyskinesia. Also called: Ciliary dyskinesia. Identifiers: Orphanet 244, MedGen C0008780, MONDO:0016575, HP:0012265.
Infertility disorder. Also called: Infertility. Identifiers: MedGen C0021359, MeSH D007246, MONDO:0005047, HP:0000789.
Primary ciliary dyskinesia 14. Also called: CILIARY DYSKINESIA, PRIMARY, 14, WITH OR WITHOUT SITUS INVERSUS. Identifiers: Orphanet 244, MedGen C3151136, MONDO:0013434, OMIM 613807.

Allele frequency attached by ClinVar (database versions not stated): ExAC 0.00037; gnomAD 0.00007; gnomAD exomes 0.00016; TOPMed 0.00011.
gnomAD v4.1: 222 of 1,577,022 alleles (0.014%); highest among the groups gnomAD compares: Admixed American, 0.028%; no homozygotes.

Submissions (15):

CeGaT Center for Human Genetics Tuebingen
Classification: Pathogenic. Last evaluated: 2026-07-01. Review status: criteria provided, single submitter. Criteria: CeGaT Center For Human Genetics Tuebingen Variant Classification Criteria Version 2. Collection method: clinical testing. Allele origin: germline. Affected: yes. Observed: 3 variant alleles.
Comment: CCDC39: PM3:Very Strong, PM2, PVS1:Moderate

Department of Human Genetics, Hannover Medical School
Classification: Uncertain significance for Primary Ciliary Dyskinesia. Last evaluated: 2026-04-01. Review status: criteria provided, single submitter. Criteria: ACMG Guidelines, 2015. Collection method: research. Allele origin: germline. Affected: no.
Comment: Classification performed by HerediClassify using the following criteria:['PM2_supporting: Variant occures does not occur as homozygous in gnomAD.', 'PVS1_splicing_moderate: Transcript ENST00000476379 does not undergo NMD and reading frame is preserved. Protein length change of 0.05207226354941552 observed.', "PP4_moderate: The PICADAR socre of 12.0 exceeds threshold of 8 achieving 'strong' evidence strength."]

Labcorp Genetics (formerly Invitae), Labcorp
Classification: Pathogenic for Primary ciliary dyskinesia. Last evaluated: 2026-02-03. Review status: criteria provided, single submitter. Criteria: Invitae Variant Classification Sherloc (09022015). Collection method: clinical testing. Allele origin: germline.
Comment: This sequence change affects a donor splice site in intron 3 of the CCDC39 gene. It is expected to disrupt RNA splicing. Variants that disrupt the donor or acceptor splice site typically lead to a loss of protein function (PMID: 16199547), and loss-of-function variants in CCDC39 are known to be pathogenic (PMID: 21131972, 23255504). This variant is present in population databases (rs397515392, gnomAD 0.04%). Disruption of this splice site has been observed in individual(s) with primary ciliary dyskinesia (PMID: 21131972, 22693295, 23255504). In at least one individual the data is consistent with being in trans (on the opposite chromosome) from a pathogenic variant. ClinVar contains an entry for this variant (Variation ID: 31067). Algorithms developed to predict the effect of sequence changes on RNA splicing suggest that this variant may disrupt the consensus splice site. For these reasons, this variant has been classified as Pathogenic.

Dasa
Classification: Pathogenic. Last evaluated: 2025-12-10. Review status: criteria provided, single submitter. Criteria: DASA Assertion Criteria. Collection method: clinical testing. Allele origin: germline.
Comment: NM_181426.2(CCDC39):c.357+1G>C affects a canonical splice site and is predicted to disrupt normal RNA splicing, leading to loss of normal protein function. Loss-of-function is an established mechanism of disease for this gene. This variant has been recurrently observed in individuals with related phenotype (PMID: 21131972; PMID: 23255504; PMID: 31772028). The variant is present at low frequency in population datasets. Based on the available data, this variant is classified as pathogenic.

Victorian Clinical Genetics Services, Murdoch Childrens Research Institute
Classification: Pathogenic for Primary ciliary dyskinesia 14. Last evaluated: 2025-11-14. Review status: criteria provided, single submitter. Criteria: ACMG Guidelines, 2015. Collection method: clinical testing. Allele origin: germline. Affected: yes.
Comment: This variant is classified as Pathogenic. Evidence in support of pathogenic classification: Canonical splice site variant without proven consequence on splicing; Variant is present in gnomAD <0.01 for a recessive condition (v4: 222 heterozygote(s), 0 homozygote(s)); This variant has strong previous evidence of pathogenicity in unrelated individuals. This variant has been classified as pathogenic by many clinical laboratories in ClinVar. It has also been reported in the literature in a homozygous and compound heterozygous state in individuals with primary ciliary dyskinesia (PMID: 22693285); Abnormal splicing is predicted by in silico tool and affected nucleotide is highly conserved. Additional information: This variant is heterozygous; This gene is associated with autosomal recessive disease; Alternative nucleotide change(s) at the same canonical splice site are present in gnomAD (highest allele count: v4: 1 heterozygote(s), 0 homozygote(s)); Loss of function is a known mechanism of disease in this gene and is associated with ciliary dyskinesia, primary, 14 (MIM#613807); Inheritance information for this variant is not currently available in this individual.

GeneDx
Classification: Pathogenic. Last evaluated: 2025-02-04. Review status: criteria provided, single submitter. Criteria: GeneDx Variant Classification Process June 2021. Collection method: clinical testing. Allele origin: germline. Affected: yes.
Comment: Canonical splice site variant predicted to result in an in-frame loss of the adjacent exon in a gene for which loss of function is a known mechanism of disease; This variant is associated with the following publications: (PMID: 23255504, 22693295, 30067075, 22693285, 32253119, 31589614, 25525159, 20301301, 33988008, 31772028, 21131972)

Blueprint Genetics
Classification: Pathogenic for CCDC39-related disorders. Last evaluated: 2024-09-07. Review status: criteria provided, single submitter. Criteria: ACMG Guidelines, 2015. Collection method: clinical testing. Allele origin: germline. Affected: yes. Observed: 5 variant alleles.

Fulgent Genetics
Classification: Pathogenic for Primary ciliary dyskinesia 14. Last evaluated: 2024-06-12. Review status: criteria provided, single submitter. Criteria: ACMG Guidelines, 2015. Collection method: clinical testing. Allele origin: germline.

Ambry Genetics
Classification: Pathogenic for Primary ciliary dyskinesia. Last evaluated: 2024-03-11. Review status: criteria provided, single submitter. Criteria: Ambry Variant Classification Scheme 2023. Collection method: clinical testing. Allele origin: germline.
Comment: The c.357+1G>C intronic pathogenic mutation results from a G to C substitution one nucleotide after coding exon 3 of the CCDC39 gene. This alteration was detected in the homozygous state, and in conjunction with another alteration in CCDC39, in multiple individuals with CCDC39-related primary ciliary dyskinesia ((Merveille AC et al. Nat Genet, 2011 Jan;43:72-8; Antony D et al. Hum Mutat, 2013 Mar;34:462-72; Blanchon S et al. J Med Genet, 2020 Apr;57:237-244; Baz-Red&oacute;n N et al. Arch Bronconeumol (Engl Ed), 2021 Mar;57:186-194). In addition to the clinical data presented in the literature, alterations that disrupt the canonical splice site are expected to cause aberrant splicing, resulting in an abnormal protein or a transcript that is subject to nonsense-mediated mRNA decay. As such, this alteration is classified as a disease-causing mutation.

Laboratorio de Genetica e Diagnostico Molecular, Hospital Israelita Albert Einstein
Classification: Pathogenic for Primary ciliary dyskinesia 14. Last evaluated: 2022-07-22. Review status: criteria provided, single submitter. Criteria: ACMG Guidelines, 2015. Collection method: clinical testing. Allele origin: germline. Affected: yes. Observed: 1 variant allele.
Comment: ACMG classification criteria: PVS1 strong, PM3 strong

Revvity Omics, Revvity
Classification: Pathogenic for Primary ciliary dyskinesia 14. Last evaluated: 2022-03-30. Review status: criteria provided, single submitter. Criteria: ACMG Guidelines, 2015. Collection method: clinical testing. Allele origin: germline.

PreventionGenetics, part of Exact Sciences
Classification: Pathogenic for CCDC39-related condition. Last evaluated: 2023-12-24. Review status: no assertion criteria provided. Collection method: clinical testing. Allele origin: germline. Not counted in ClinVar's aggregate classification.
Comment: The CCDC39 c.357+1G>C variant is predicted to disrupt the GT donor site and interfere with normal splicing. This variant was reported in the homozygous and compound heterozygous states in multiple individuals with primary ciliary dyskinesia (Merveille et al. 2011. PubMed ID: 21131972; Blanchon et al. 2019. PubMed ID: 31772028; Baz-Redón et al. 2020. PubMed ID: 32253119). This variant is reported in 0.038% of alleles in individuals of Latino descent in gnomAD. Variants that disrupt the consensus splice donor site in CCDC39 are expected to be pathogenic. This variant is interpreted as pathogenic.

GeneReviews
Classification: Pathogenic for Primary Ciliary Dyskinesia. Last evaluated: 2011-09-15. Review status: no assertion criteria provided. Collection method: curation. Allele origin: unknown. Not counted in ClinVar's aggregate classification.
ClinVar note: Converted during submission from pathologic to Pathogenic.

OMIM
Classification: Pathogenic for CILIARY DYSKINESIA, PRIMARY, 14. Last evaluated: 2011-01-01. Review status: no assertion criteria provided. Collection method: literature only. Allele origin: germline. Not counted in ClinVar's aggregate classification.

MAGI's Lab - Research, MAGI Group
Classification: Pathogenic for Infertility disorder. Review status: no assertion criteria provided. Collection method: provider interpretation. Allele origin: germline. Affected: yes. Not counted in ClinVar's aggregate classification.

Literature cited by the submitters: PubMed 16199547 (cited by Labcorp Genetics (formerly Invitae), Labcorp); PubMed 21131972 (cited by 4 submitters); PubMed 23255504 (cited by 3 submitters); PubMed 22693295 (cited by Labcorp Genetics (formerly Invitae), Labcorp); PubMed 31772028 (cited by Dasa and Ambry Genetics); PubMed 22693285 (cited by Victorian Clinical Genetics Services, Murdoch Childrens Research Institute); PubMed 32253119 (cited by Ambry Genetics).

NM_181426.2(CCDC39):c.357+1G>C

Gene: CCDC39 (coiled-coil domain 39 molecular ruler complex subunit; minus strand). Cytogenetic location: 3q26.33.
Variant type: single nucleotide variant.
Coding change: c.357+1G>C on transcript NM_181426.2 (MANE Select); the canonical splice donor site of the intron after coding-DNA position 357, G replaced by C.
Molecular consequence: splice donor variant.
Genome position (GRCh38, 1-based): chr3:180,661,860, C>G on the plus strand (G>C on the coding strand, the complement: CCDC39 is on the minus strand). VCF-style: chr3-180661860-C-G. GRCh37 (hg19) VCF-style: chr3-180379648-C-G.
Other names: IVS3DS, G-C, +1; c.357+1G>C.
Identifiers: ClinVar variation 31067 (VCV000031067.71), dbSNP rs397515392, ClinGen allele CA338429.